The following is an entry in ClinVar:

ClinVar aggregate classification (germline): Benign. Review status: criteria provided, multiple submitters, no conflicts (2 of 4 stars). 3 submissions from 3 submitters: Benign (3). Last evaluated 2025-10-21.

Allele frequency attached by ClinVar (database versions not stated): gnomAD 0.00633 and 0.00674; gnomAD exomes 0.00127; TOPMed 0.00701; 1000 Genomes Project 30x 0.00999; 1000 Genomes Project 0.00799; ExAC 0.00160.
gnomAD v4.1: 2,071 of 1,491,740 alleles (0.14%); highest among the groups gnomAD compares: African/African-American, 2.1%; 19 homozygotes.

Submissions (3):

Mayo Clinic Laboratories, Mayo Clinic
Classification: Benign. Last evaluated: 2025-10-21. Review status: criteria provided, single submitter. Criteria: ACMG Guidelines, 2015. Collection method: clinical testing. Allele origin: germline. Observed: 1 variant allele.
Comment: BS1, BS2, BP4, BP7

Labcorp Genetics (formerly Invitae), Labcorp
Classification: Benign. Last evaluated: 2017-12-18. Review status: criteria provided, single submitter. Criteria: Invitae Variant Classification Sherloc (09022015). Collection method: clinical testing. Allele origin: germline.

Breakthrough Genomics
Classification: Benign. Review status: criteria provided, single submitter. Criteria: ACMG Guidelines, 2015. Collection method: not provided. Allele origin: germline. Inheritance: Autosomal recessive inheritance. Affected: yes.

NM_022834.5(VWA1):c.933G>A (p.Ser311=)

Gene: VWA1 (von Willebrand factor A domain containing 1; plus strand). Cytogenetic location: 1p36.33.
Variant type: single nucleotide variant.
Coding change: c.933G>A on transcript NM_022834.5 (MANE Select); coding-DNA position 933, G replaced by A.
Protein change: p.Ser311=; no amino-acid change (serine 311 retained).
Molecular consequence: synonymous variant. On other transcripts: 3 prime UTR variant (1).
Genome position (GRCh38, 1-based): chr1:1,439,382, G>A. VCF-style: chr1-1439382-G-A. GRCh37 (hg19) VCF-style: chr1-1374762-G-A.
Other names: p.Ser311=; c.*343G>A (NM_199121.3).
Identifiers: ClinVar variation 781925 (VCV000781925.5), dbSNP rs546896256, ClinGen allele CA523296.
Genomic context (GRCh38, chr1:1,439,382, plus strand): 5'-CCTGAGGCCCCAGATCCTGCGGGTGCGCACGCGGCCCGGTGAGGCAGGGCCGGGGGCTTC[G>A]GGCCCGGAGTCGGGGGCTGGGCCGGCCCCCACGCAGCTCGCCGCCCTCCCCGCCCCAGAG-3'
Protein context (NP_073745.2, residues 301-321): TRPGEAGPGA[Ser311=]GPESGAGPAP